The following is an entry in ClinVar:

ClinVar aggregate classification (germline): Uncertain significance (1 of 4 stars; one submission).

Submission:

CeGaT Center for Human Genetics Tuebingen
Classification: Uncertain significance. Last evaluated: 2022-11-01. Review status: criteria provided, single submitter. Criteria: CeGaT Center For Human Genetics Tuebingen Variant Classification Criteria Version 2. Collection method: clinical testing. Allele origin: germline. Affected: yes. Observed: 1 variant allele.
Comment: ABCC1: PM4:Supporting

NM_004996.4(ABCC1):c.2750CCT[2] (p.Ser919del)

Gene: ABCC1 (ATP binding cassette subfamily C member 1 (ABCC1 blood group); plus strand). Cytogenetic location: 16p13.11.
Variant type: Microsatellite.
Coding change: c.2750CCT[2] on transcript NM_004996.4 (MANE Select); two copies in a row of the 3-base unit CCT starting at c.2750; the reference has three copies in a row; one copy, 3 bases deleted.
Protein change: p.Ser919del; deletes serine 919.
Molecular consequence: inframe deletion.
Genome position (GRCh38, 1-based): chr16:16,106,758-16,106,760, CCT deleted; deleting any 3 consecutive bases within chr16:16,106,750-16,106,760 gives the same sequence; the position shown is the placement nearest the transcript's 3' end. VCF-style (leftmost placement, unchanged base first): chr16-16106749-GCTC-G. GRCh37 (hg19) VCF-style: chr16-16200606-GCTC-G.
Other names: c.2573CCT[2], p.Ser860del (NM_019862.3); short protein forms S860del, S919del.
Identifiers: ClinVar variation 2646257 (VCV002646257.24), dbSNP rs773097397, ClinGen allele CA7924437.
Genomic context (GRCh38, chr16:16,106,749, plus strand): 5'-CTGCCCAAGGCATCTGTACGGTTGACACCCTTGTGCTTTGCTTCTCCAGACAGCTCAGCA[GCTC>G]CTCCTCCTATAGTGGGGACATCAGCAGGCACCACAACAGCACCGCAGAACTGCAGAAAGC-3'